The following is an entry in ClinVar:

ClinVar aggregate classification (germline): Likely benign (1 of 4 stars; one submission).

Conditions:
Familial cancer of breast. Also called: Hereditary breast cancer; BREAST CANCER, FAMILIAL; hereditary breast carcinoma. Identifiers: Orphanet 227535, MedGen C0346153, MONDO:0016419, OMIM 114480. Disease mechanism: loss of function.

Submission:

Myriad Genetics, Inc.
Classification: Likely benign for Familial cancer of breast. Last evaluated: 2024-10-03. Review status: criteria provided, single submitter. Criteria: Myriad Autosomal Dominant, Autosomal Recessive and X-Linked Classification Criteria (2023). Collection method: clinical testing. Allele origin: unknown.
Comment: This variant is considered likely benign. This variant is intronic and is not expected to impact mRNA splicing.

NM_007194.4(CHEK2):c.684-6CT[4]

Gene: CHEK2 (checkpoint kinase 2; minus strand). Cytogenetic location: 22q12.1.
Variant type: Microsatellite.
Coding change: c.684-6CT[4] on transcript NM_007194.4 (MANE Select); four copies in a row of the 2-base unit CT starting at c.684-6; the reference has two copies in a row; two copies, 4 bases duplicated.
Molecular consequence: intron variant.
Genome position (GRCh38, 1-based): chr22:28,712,020-28,712,023, AGAG duplicated on the plus strand (CTCT on the coding strand, the reverse complement: CHEK2 is on the minus strand). VCF-style (leftmost placement, unchanged base first): chr22-28712019-T-TAGAG. GRCh37 (hg19) VCF-style: chr22-29108007-T-TAGAG.
Other names: c.21-6CT[4] (NM_001437942.1, NM_001257387.3); c.483-6CT[4] (NM_001349956.3); c.684-6CT[4] (NM_145862.3); c.777-6CT[4] (NM_001438295.1, NM_001438293.1); c.813-6CT[4] (NM_001438294.1, NM_001005735.3).
Identifiers: ClinVar variation 3773193 (VCV003773193.1).
Genomic context (GRCh38, chr22:28,712,019, plus strand): 5'-TGGCTACTTTCTTACATGTTTTCCTCTCGAAAGCCAGCTTTACCTCTCCACAGGCACCAC[T>TAGAG]AGAGGGAAAAACAAAGATAGTGATTGTCTGAATGTTTTTAATTATGAGACCTACCACTCC-3'